The following is an entry in ClinVar:

ClinVar aggregate classification (germline): Benign. Review status: criteria provided, multiple submitters, no conflicts (2 of 4 stars). 2 submissions from 2 submitters: Benign (2). Last evaluated 2018-06-19.

Allele frequency attached by ClinVar (database versions not stated): gnomAD exomes 0.10813; gnomAD 0.17128 and 0.17553; 1000 Genomes Project 0.17372; 1000 Genomes Project 30x 0.17458; TOPMed 0.17867.
gnomAD v4.1: 50,842 of 381,154 alleles (13%); highest among the groups gnomAD compares: African/African-American, 31%; 4,455 homozygotes.

Submissions (2):

GeneDx
Classification: Benign. Last evaluated: 2018-06-19. Review status: criteria provided, single submitter. Criteria: GeneDx Variant Classification (06012015). Collection method: clinical testing. Allele origin: germline. Affected: yes.
Comment: This variant is considered likely benign or benign based on one or more of the following criteria: it is a conservative change, it occurs at a poorly conserved position in the protein, it is predicted to be benign by multiple in silico algorithms, and/or has population frequency not consistent with disease.

Breakthrough Genomics
Classification: Benign. Review status: criteria provided, single submitter. Criteria: ACMG Guidelines, 2015. Collection method: not provided. Allele origin: germline. Inheritance: Autosomal recessive inheritance. Affected: yes.

NM_001384732.1(CPLANE1):c.7589-187A>G

Gene: CPLANE1 (ciliogenesis and planar polarity effector complex subunit 1; minus strand). Cytogenetic location: 5p13.2.
Variant type: single nucleotide variant.
Coding change: c.7589-187A>G on transcript NM_001384732.1 (MANE Select); 187 bases into the intron before coding-DNA position 7589, A replaced by G.
Molecular consequence: intron variant.
Genome position (GRCh38, 1-based): chr5:37,162,753, T>C on the plus strand (A>G on the coding strand, the complement: CPLANE1 is on the minus strand). VCF-style: chr5-37162753-T-C. GRCh37 (hg19) VCF-style: chr5-37162855-T-C.
Other names: c.7589-187A>G (NM_023073.4).
Identifiers: ClinVar variation 680161 (VCV000680161.2), dbSNP rs10941320, ClinGen allele CA12024611.